The following is an entry in ClinVar:

NM_018406.7(MUC4):c.4970C>T (p.Ala1657Val)

Gene: MUC4 (mucin 4, cell surface associated). Cytogenetic location: 3q29.
Variant type: single nucleotide variant.
Coding change: c.4970C>T on transcript NM_018406.7 (MANE Select); coding-DNA position 4970, C replaced by T.
Protein change: p.Ala1657Val; replaces alanine 1657 with valine.
Molecular consequence: missense variant. On other transcripts: genic upstream transcript variant (2).
Genome position (GRCh38, 1-based): chr3:195,786,610, G>A on the plus strand (C>T on the coding strand, the complement: MUC4 is on the minus strand). VCF-style: chr3-195786610-G-A. GRCh37 (hg19) VCF-style: chr3-195513481-G-A.
Other names: c.6857C>T, p.Ala2286Val (NM_001322468.1); c.83-12305C>T (NM_138297.5); c.83-8155C>T (NM_004532.6); short protein forms A1657V, A2286V.
Identifiers: ClinVar variation 3025019 (VCV003025019.22), dbSNP rs77462830, ClinGen allele CA2774022.

ClinVar aggregate classification (germline): Likely benign (1 of 4 stars; one submission).

Allele frequency attached by ClinVar (database versions not stated): ExAC 0.00080.

Submission:

CeGaT Center for Human Genetics Tuebingen
Classification: Likely benign. Last evaluated: 2024-01-01. Review status: criteria provided, single submitter. Criteria: CeGaT Center For Human Genetics Tuebingen Variant Classification Criteria Version 2. Collection method: clinical testing. Allele origin: germline. Affected: yes. Observed: 1 variant allele.
Comment: MUC4: BP4, BS2